The following is an entry in ClinVar:

NM_000726.5(CACNB4):c.1437G>A (p.Gln479=)

Gene: CACNB4 (calcium voltage-gated channel auxiliary subunit beta 4; minus strand). Cytogenetic location: 2q23.3.
Variant type: single nucleotide variant.
Coding change: c.1437G>A on transcript NM_000726.5 (MANE Select); coding-DNA position 1437, G replaced by A.
Protein change: p.Gln479=; no amino-acid change (glutamine 479 retained).
Molecular consequence: synonymous variant.
Genome position (GRCh38, 1-based): chr2:151,839,245, C>T on the plus strand (G>A on the coding strand, the complement: CACNB4 is on the minus strand). VCF-style: chr2-151839245-C-T. GRCh37 (hg19) VCF-style: chr2-152695759-C-T.
Other names: c.1383G>A, p.Gln461= (NM_001005746.4); c.1335G>A, p.Gln445= (NM_001005747.4); c.1251G>A, p.Gln417= (NM_001145798.3); c.1296G>A, p.Gln432= (NM_001320722.3, NM_001330118.2); c.1194G>A, p.Gln398= (NM_001330113.2); c.783G>A, p.Gln261= (NM_001330114.2); c.1146G>A, p.Gln382= (NM_001330115.2); c.1107G>A, p.Gln369= (NM_001330116.2); and 1 more.
Identifiers: ClinVar variation 194344 (VCV000194344.17), dbSNP rs794727118, ClinGen allele CA240263.

ClinVar aggregate classification (germline): Conflicting classifications of pathogenicity. Review status: criteria provided, conflicting classifications (1 of 4 stars). 3 submissions from 3 submitters: Uncertain significance (1); Likely benign (2). Last evaluated 2025-07-18.

Conditions:
Idiopathic generalized epilepsy. Also called: EIG; Generalised epilepsy. Identifiers: MedGen C0270850, MONDO:0005579, OMIM 600669.

Allele frequency attached by ClinVar (database versions not stated): gnomAD exomes 0.00001 and 0.00002; TOPMed 0.00002.
gnomAD v4.1: 19 of 1,613,680 alleles (0.0012%); highest among the groups gnomAD compares: Non-Finnish European, 0.0014%; no homozygotes.

Submissions (3):

Athena Diagnostics
Classification: Likely benign. Last evaluated: 2025-07-18. Review status: criteria provided, single submitter. Criteria: Athena Diagnostics Criteria. Collection method: clinical testing. Allele origin: unknown.
Comment: Computational tools yielded predictions that this variant is unlikely to have an effect on normal RNA splicing. This nucleotide position exhibits low evolutionary conservation.

Labcorp Genetics (formerly Invitae), Labcorp
Classification: Likely benign for Idiopathic generalized epilepsy. Last evaluated: 2022-06-14. Review status: criteria provided, single submitter. Criteria: Invitae Variant Classification Sherloc (09022015). Collection method: clinical testing. Allele origin: germline.

Eurofins Ntd Llc (ga)
Classification: Uncertain significance. Last evaluated: 2014-09-17. Review status: criteria provided, single submitter. Criteria: EGL Classification Definitions 2015. Collection method: clinical testing. Allele origin: germline. Observed: 1 variant allele, 1 heterozygote.